The following is an entry in ClinVar:

NM_001042681.2(RERE):c.2605C>G (p.Pro869Ala)

Gene: RERE (arginine-glutamic acid dipeptide repeats; minus strand). Cytogenetic location: 1p36.23.
Variant type: single nucleotide variant.
Coding change: c.2605C>G on transcript NM_001042681.2 (MANE Select); coding-DNA position 2605, C replaced by G.
Protein change: p.Pro869Ala; replaces proline 869 with alanine.
Molecular consequence: missense variant.
Genome position (GRCh38, 1-based): chr1:8,360,902, G>C on the plus strand (C>G on the coding strand, the complement: RERE is on the minus strand). VCF-style: chr1-8360902-G-C. GRCh37 (hg19) VCF-style: chr1-8420962-G-C.
Other names: c.943C>G, p.Pro315Ala (NM_001042682.2); c.2605C>G, p.Pro869Ala (NM_012102.4); short protein forms P315A, P869A.
Identifiers: ClinVar variation 3381448 (VCV003381448.2).

ClinVar aggregate classification (germline): Uncertain significance (1 of 4 stars; one submission).

Submission:

GeneDx
Classification: Uncertain significance. Last evaluated: 2025-12-30. Review status: criteria provided, single submitter. Criteria: GeneDx Variant Classification Process June 2021. Collection method: clinical testing. Allele origin: germline.
Comment: Not observed at significant frequency in large population cohorts (gnomAD); In silico analysis supports that this missense variant has a deleterious effect on protein structure/function; Has not been previously published as pathogenic or benign to our knowledge